The following is an entry in ClinVar:

ClinVar aggregate classification (germline): Uncertain significance (1 of 4 stars; one submission).

Submission:

Labcorp Genetics (formerly Invitae), Labcorp
Classification: Uncertain significance. Last evaluated: 2024-06-12. Review status: criteria provided, single submitter. Criteria: Invitae Variant Classification Sherloc (09022015). Collection method: clinical testing. Allele origin: germline.
Comment: This sequence change replaces methionine, which is neutral and non-polar, with isoleucine, which is neutral and non-polar, at codon 429 of the ARID1B protein (p.Met429Ile). This variant is not present in population databases (gnomAD no frequency). This variant has not been reported in the literature in individuals affected with ARID1B-related conditions. An algorithm developed to predict the effect of missense changes on protein structure and function (PolyPhen-2) suggests that this variant is likely to be tolerated. In summary, the available evidence is currently insufficient to determine the role of this variant in disease. Therefore, it has been classified as a Variant of Uncertain Significance.

NM_001374828.1(ARID1B):c.1536G>A (p.Met512Ile)

Gene: ARID1B (AT-rich interaction domain 1B; plus strand). Cytogenetic location: 6q25.3.
Variant type: single nucleotide variant.
Coding change: c.1536G>A on transcript NM_001374828.1 (MANE Select); coding-DNA position 1536, G replaced by A.
Protein change: p.Met512Ile; replaces methionine 512 with isoleucine.
Molecular consequence: missense variant.
Genome position (GRCh38, 1-based): chr6:156,779,216, G>A. VCF-style: chr6-156779216-G-A. GRCh37 (hg19) VCF-style: chr6-157100350-G-A.
Other names: c.1536G>A, p.Met512Ile (NM_017519.3, NM_001371656.1, NM_001374820.1); short protein forms M512I.
Identifiers: ClinVar variation 3644172 (VCV003644172.2).